The following is an entry in ClinVar:

NM_001267550.2(TTN):c.13914T>A (p.Tyr4638Ter)

Gene: TTN (titin; minus strand). Cytogenetic location: 2q31.2.
Variant type: single nucleotide variant.
Coding change: c.13914T>A on transcript NM_001267550.2 (MANE Select); coding-DNA position 13914, T replaced by A.
Protein change: p.Tyr4638Ter; replaces tyrosine 4638 with a stop codon.
Molecular consequence: nonsense. On other transcripts: intron variant (1).
Genome position (GRCh38, 1-based): chr2:178,739,319, A>T on the plus strand (T>A on the coding strand, the complement: TTN is on the minus strand). VCF-style: chr2-178739319-A-T. GRCh37 (hg19) VCF-style: chr2-179604046-A-T.
Other names: p.Y4321*:TAT>TAA; c.12963T>A, p.Tyr4321Ter (NM_001256850.1); c.12825T>A, p.Tyr4275Ter (NM_003319.4); c.13200T>A, p.Tyr4400Ter (NM_133432.3); c.13401T>A, p.Tyr4467Ter (NM_133437.4); c.10361-959T>A (NM_133378.4); short protein forms Y4321*, Y4638*, Y4275*, Y4400*, Y4467*.
Identifiers: ClinVar variation 202534 (VCV000202534.11), dbSNP rs794729388, ClinGen allele CA309534.

ClinVar aggregate classification (germline): Conflicting classifications of pathogenicity. Review status: criteria provided, conflicting classifications (1 of 4 stars). 2 submissions from 2 submitters: Likely pathogenic (1); Uncertain significance (1). Last evaluated 2024-10-18.

Conditions:
Dilated cardiomyopathy 1G (CMD1G). Identifiers: Orphanet 154, MedGen C1858763, MONDO:0011400, OMIM 604145.
Autosomal recessive limb-girdle muscular dystrophy type 2J (LGMDR10). Also called: MUSCULAR DYSTROPHY, LIMB-GIRDLE, AUTOSOMAL RECESSIVE 10; Limb-girdle muscular dystrophy, type 2J. Identifiers: Orphanet 140922, MedGen C1837342, MONDO:0012127, OMIM 608807.

Submissions (2):

Labcorp Genetics (formerly Invitae), Labcorp
Classification: Likely pathogenic for Dilated cardiomyopathy 1G; Autosomal recessive limb-girdle muscular dystrophy type 2J. Last evaluated: 2024-10-18. Review status: criteria provided, single submitter. Criteria: Invitae Variant Classification Sherloc (09022015). Collection method: clinical testing. Allele origin: germline.
Comment: This sequence change creates a premature translational stop signal (p.Tyr4638*) in the TTN gene. While this is not anticipated to result in nonsense mediated decay, it is expected to create a truncated TTN protein. This variant is not present in population databases (gnomAD no frequency). This variant has not been reported in the literature in individuals affected with TTN-related conditions. ClinVar contains an entry for this variant (Variation ID: 202534). This variant is located in the I band of TTN (PMID: 25589632). Truncating variants in this region have been reported in individuals affected with autosomal recessive centronuclear myopathy (PMID: 23975875, internal data). Truncating variants in this region have also been identified in individuals affected with autosomal dominant dilated cardiomyopathy and/or cardio-related conditions (PMID: 27869827, 32964742, internal data). In summary, the currently available evidence indicates that the variant is pathogenic, but additional data are needed to prove that conclusively. Therefore, this variant has been classified as Likely Pathogenic.

GeneDx
Classification: Uncertain significance. Last evaluated: 2016-02-02. Review status: criteria provided, single submitter. Criteria: GeneDx Variant Classification (06012015). Collection method: clinical testing. Allele origin: germline. Affected: yes.
Comment: p.Tyr4321Ter (TAT>TAA): c.12963 T>A in exon 46 of the TTN gene (NM_001256850.1); The Y4321X variant in the TTN gene has not been reported as a disease-causing mutation or as a benign polymorphism to our knowledge. Y4321X is predicted to possibly cause loss of normal protein function either by protein truncation or nonsense-mediated mRNA decay. However, no other nearby nonsense mutations in the TTN gene have been reported in association with cardiomyopathy. Furthermore, Y4321X is not located in the A-band region of titin, where the majority of truncating mutations associated with DCM have been reported (Herman et al., 2012). Moreover, the Y4321X variant was not observed in approximately 6,000 individuals of European and African American ancestry in the NHLBI Exome Sequencing Project, indicating it is not a common benign variant in these populations. Therefore, based on the currently available information, it is unclear whether this variant is a pathogenic mutation or a rare benign variant.The variant is found in DCM-CRDM panel(s).

Literature cited by the submitters: PubMed 25589632 (cited by Labcorp Genetics (formerly Invitae), Labcorp); PubMed 23975875 (cited by Labcorp Genetics (formerly Invitae), Labcorp); PubMed 27869827 (cited by Labcorp Genetics (formerly Invitae), Labcorp); PubMed 32964742 (cited by Labcorp Genetics (formerly Invitae), Labcorp).